The following is an entry in ClinVar:

ClinVar aggregate classification (germline): Uncertain significance (1 of 4 stars; one submission).

Submission:

GeneDx
Classification: Uncertain significance. Last evaluated: 2025-07-01. Review status: criteria provided, single submitter. Criteria: GeneDx Variant Classification Process June 2021. Collection method: clinical testing. Allele origin: germline. Affected: yes.
Comment: Not observed at significant frequency in large population cohorts (gnomAD); In silico analysis is inconclusive as to whether the variant alters gene splicing. In the absence of RNA/functional studies, the actual effect of this sequence change is unknown.; Has not been previously published as pathogenic or benign to our knowledge

NM_001204.7(BMPR2):c.2866+3A>T

Gene: BMPR2 (bone morphogenetic protein receptor type 2; plus strand). Cytogenetic location: 2q33.2.
Variant type: single nucleotide variant.
Coding change: c.2866+3A>T on transcript NM_001204.7 (MANE Select); 3 bases into the intron after coding-DNA position 2866, A replaced by T.
Molecular consequence: intron variant.
Genome position (GRCh38, 1-based): chr2:202,556,534, A>T. VCF-style: chr2-202556534-A-T. GRCh37 (hg19) VCF-style: chr2-203421257-A-T.
Identifiers: ClinVar variation 4681050 (VCV004681050.1).
Genomic context (GRCh38, chr2:202,556,534, plus strand): 5'-AGGCCTAATTCTCTGGATCTTTCAGCCACAAATGTCCTGGATGGCAGCAGTATACAGAGT[A>T]AGTGGAGGGATCATATAATCTCTCCTGTGTGTCTTTTGGGGCCATTTAAATAACTATTTA-3'